The following is an entry in ClinVar:

ClinVar aggregate classification (germline): Uncertain significance (1 of 4 stars; one submission).

Conditions:
Inborn genetic diseases. Identifiers: MedGen C0950123, MeSH D030342.

Allele frequency attached by ClinVar (database versions not stated): ExAC 0.00001; gnomAD 0.00001; gnomAD exomes 0.00001; TOPMed 0.00001.
gnomAD v4.1: 8 of 1,612,966 alleles (0.0005%); highest among the groups gnomAD compares: South Asian, 0.0022%; no homozygotes.

Submission:

Ambry Genetics
Classification: Uncertain significance for Inborn genetic diseases. Last evaluated: 2020-06-25. Review status: criteria provided, single submitter. Criteria: Ambry Variant Classification Scheme 2023. Collection method: clinical testing. Allele origin: germline.
Comment: The p.A4T variant (also known as c.10G>A), located in coding exon 1 of the SPTLC1 gene, results from a G to A substitution at nucleotide position 10. The alanine at codon 4 is replaced by threonine, an amino acid with similar properties. This amino acid position is poorly conserved in available vertebrate species. In addition, the in silico prediction for this alteration is inconclusive. Since supporting evidence is limited at this time, the clinical significance of this alteration remains unclear.

NM_006415.4(SPTLC1):c.10G>A (p.Ala4Thr)

Gene: SPTLC1 (serine palmitoyltransferase long chain base subunit 1; minus strand). Cytogenetic location: 9q22.31.
Variant type: single nucleotide variant.
Coding change: c.10G>A on transcript NM_006415.4 (MANE Select); coding-DNA position 10, G replaced by A.
Protein change: p.Ala4Thr; replaces alanine 4 with threonine.
Molecular consequence: missense variant. On other transcripts: 5 prime UTR variant (2).
Genome position (GRCh38, 1-based): chr9:92,115,361, C>T on the plus strand (G>A on the coding strand, the complement: SPTLC1 is on the minus strand). VCF-style: chr9-92115361-C-T. GRCh37 (hg19) VCF-style: chr9-94877643-C-T.
Other names: c.10G>A, p.Ala4Thr (NM_001281303.2, NM_178324.3); c.-490G>A (NM_001368272.1); c.-601G>A (NM_001368273.1); short protein forms A4T.
Identifiers: ClinVar variation 1792081 (VCV001792081.2), dbSNP rs757288985, ClinGen allele CA5121717.